The following is an entry in ClinVar:

NM_178452.6(DNAAF1):c.1012del (p.Arg338fs)

Gene: DNAAF1 (dynein axonemal assembly factor 1; plus strand). Cytogenetic location: 16q24.1.
Variant type: Deletion.
Coding change: c.1012del on transcript NM_178452.6 (MANE Select); coding-DNA position 1012, one base deleted (A; older notation c.1012delA).
Protein change: p.Arg338fs; shifts the reading frame from arginine 338.
Molecular consequence: frameshift variant.
Genome position (GRCh38, 1-based): chr16:84,165,931, A deleted. VCF-style (leftmost placement, unchanged base first): chr16-84165930-GA-G. GRCh37 (hg19) VCF-style: chr16-84199536-GA-G.
Other names: c.256del, p.Arg86fs (NM_001318756.1); short protein forms R86fs, R338fs.
Identifiers: ClinVar variation 454995 (VCV000454995.9), dbSNP rs762843285, ClinGen allele CA8202687.

ClinVar aggregate classification (germline): Pathogenic/Likely pathogenic. Review status: criteria provided, multiple submitters, no conflicts (2 of 4 stars). 3 submissions from 3 submitters: Pathogenic (1); Likely pathogenic (2). Last evaluated 2025-03-13.

Conditions:
DNAAF1-related disorders.
Primary ciliary dyskinesia. Also called: Ciliary dyskinesia. Identifiers: Orphanet 244, MedGen C0008780, MONDO:0016575, HP:0012265.
Primary ciliary dyskinesia 13. Also called: CILIARY DYSKINESIA, PRIMARY, 13, WITH OR WITHOUT SITUS INVERSUS. Identifiers: Orphanet 244, MedGen C2750790, MONDO:0013174, OMIM 613193.

Allele frequency attached by ClinVar (database versions not stated): ExAC 0.00001; gnomAD 0.00001 and 0.00002; gnomAD exomes 0.00001 and 0.00002; TOPMed 0.00002.

Submissions (3):

Labcorp Genetics (formerly Invitae), Labcorp
Classification: Pathogenic for Primary ciliary dyskinesia. Last evaluated: 2025-03-13. Review status: criteria provided, single submitter. Criteria: Invitae Variant Classification Sherloc (09022015). Collection method: clinical testing. Allele origin: germline.
Comment: This sequence change creates a premature translational stop signal (p.Arg338Glufs*9) in the DNAAF1 gene. It is expected to result in an absent or disrupted protein product. Loss-of-function variants in DNAAF1 are known to be pathogenic (PMID: 19944400, 19944405). This variant is present in population databases (rs762843285, gnomAD 0.004%). This variant has not been reported in the literature in individuals affected with DNAAF1-related conditions. ClinVar contains an entry for this variant (Variation ID: 454995). For these reasons, this variant has been classified as Pathogenic.

Blueprint Genetics
Classification: Likely pathogenic for DNAAF1-related disorders. Last evaluated: 2024-06-28. Review status: criteria provided, single submitter. Criteria: ACMG Guidelines, 2015. Collection method: clinical testing. Allele origin: germline. Affected: yes. Observed: 5 variant alleles.

Fulgent Genetics
Classification: Likely pathogenic for Primary ciliary dyskinesia 13. Last evaluated: 2022-04-13. Review status: criteria provided, single submitter. Criteria: ACMG Guidelines, 2015. Collection method: clinical testing. Allele origin: unknown.

Literature cited by the submitters: PubMed 19944400 (cited by Labcorp Genetics (formerly Invitae), Labcorp); PubMed 19944405 (cited by Labcorp Genetics (formerly Invitae), Labcorp).